The following is an entry in ClinVar:

ClinVar aggregate classification (germline): Likely benign (1 of 4 stars; one submission).

Allele frequency attached by ClinVar (database versions not stated): ExAC 0.00003; TOPMed 0.00004; ESP Exome Variant Server 0.00008; gnomAD 0.00009.
gnomAD v4.1: 42 of 1,611,266 alleles (0.0026%); highest among the groups gnomAD compares: African/African-American, 0.019%; no homozygotes.

Submission:

CeGaT Center for Human Genetics Tuebingen
Classification: Likely benign. Last evaluated: 2023-12-01. Review status: criteria provided, single submitter. Criteria: CeGaT Center For Human Genetics Tuebingen Variant Classification Criteria Version 2. Collection method: clinical testing. Allele origin: germline. Affected: yes. Observed: 1 variant allele.
Comment: CDH11: BP4, BP7

NM_001797.4(CDH11):c.1248G>A (p.Pro416=)

Gene: CDH11 (cadherin 11; minus strand). Cytogenetic location: 16q21.
Variant type: single nucleotide variant.
Coding change: c.1248G>A on transcript NM_001797.4 (MANE Select); coding-DNA position 1248, G replaced by A.
Protein change: p.Pro416=; no amino-acid change (proline 416 retained).
Molecular consequence: synonymous variant.
Genome position (GRCh38, 1-based): chr16:64,982,053, C>T on the plus strand (G>A on the coding strand, the complement: CDH11 is on the minus strand). VCF-style: chr16-64982053-C-T. GRCh37 (hg19) VCF-style: chr16-65015956-C-T.
Other names: c.1248G>A, p.Pro416= (NM_001308392.2); c.870G>A, p.Pro290= (NM_001330576.2).
Identifiers: ClinVar variation 3026223 (VCV003026223.22), dbSNP rs139869458, ClinGen allele CA8092179.